The following is an entry in ClinVar:

NM_000066.4(C8B):c.183G>A (p.Met61Ile)

Gene: C8B (complement C8 beta chain; minus strand). Cytogenetic location: 1p32.2.
Variant type: single nucleotide variant.
Coding change: c.183G>A on transcript NM_000066.4 (MANE Select); coding-DNA position 183, G replaced by A.
Protein change: p.Met61Ile; replaces methionine 61 with isoleucine.
Molecular consequence: missense variant. On other transcripts: 5 prime UTR variant (1).
Genome position (GRCh38, 1-based): chr1:56,960,086, C>T on the plus strand (G>A on the coding strand, the complement: C8B is on the minus strand). VCF-style: chr1-56960086-C-T. GRCh37 (hg19) VCF-style: chr1-57425759-C-T.
Other names: c.27G>A, p.Met9Ile (NM_001278543.2); c.-133G>A (NM_001278544.2); short protein forms M61I, M9I.
Identifiers: ClinVar variation 1935753 (VCV001935753.6), dbSNP rs1371148053, ClinGen allele CA340512104.

ClinVar aggregate classification (germline): Uncertain significance. Review status: criteria provided, multiple submitters, no conflicts (2 of 4 stars). 2 submissions from 2 submitters: Uncertain significance (2). Last evaluated 2025-11-19.

Conditions:
Inborn genetic diseases. Identifiers: MedGen C0950123, MeSH D030342.

Allele frequency attached by ClinVar (database versions not stated): gnomAD 0.00002; TOPMed 0.00003.

Submissions (2):

Ambry Genetics
Classification: Uncertain significance for Inborn genetic diseases. Last evaluated: 2025-11-19. Review status: criteria provided, single submitter. Criteria: Ambry Variant Classification Scheme 2023. Collection method: clinical testing. Allele origin: germline.

Labcorp Genetics (formerly Invitae), Labcorp
Classification: Uncertain significance. Last evaluated: 2022-10-17. Review status: criteria provided, single submitter. Criteria: Invitae Variant Classification Sherloc (09022015). Collection method: clinical testing. Allele origin: germline.
Comment: In summary, the available evidence is currently insufficient to determine the role of this variant in disease. Therefore, it has been classified as a Variant of Uncertain Significance. Algorithms developed to predict the effect of missense changes on protein structure and function (SIFT, PolyPhen-2, Align-GVGD) all suggest that this variant is likely to be tolerated. This variant has not been reported in the literature in individuals affected with C8B-related conditions. This variant is present in population databases (no rsID available, gnomAD 0.01%). This sequence change replaces methionine, which is neutral and non-polar, with isoleucine, which is neutral and non-polar, at codon 61 of the C8B protein (p.Met61Ile).